The following is an entry in ClinVar:

ClinVar aggregate classification (germline): Uncertain significance (1 of 4 stars; one submission).

Conditions:
Singleton-Merten syndrome 1 (SGMRT1). Also called: Widened medullary cavities of bone, aortic calcification, abnormal dentition, and muscular weakness; Syndrome of widened medullary cavities of the metacarpals and phalanges, aortic calcification and abnormal dentition. Identifiers: Orphanet 85191, MedGen C4225427, MONDO:0024535, OMIM 182250.
Aicardi-Goutieres syndrome 7 (AGS7). Identifiers: Orphanet 51, MedGen C3888244, MONDO:0014367, OMIM 615846.

Submission:

Labcorp Genetics (formerly Invitae), Labcorp
Classification: Uncertain significance for Aicardi-Goutieres syndrome 7; Singleton-Merten syndrome 1. Last evaluated: 2023-12-07. Review status: criteria provided, single submitter. Criteria: Invitae Variant Classification Sherloc (09022015). Collection method: clinical testing. Allele origin: germline.
Comment: This sequence change replaces isoleucine, which is neutral and non-polar, with methionine, which is neutral and non-polar, at codon 398 of the IFIH1 protein (p.Ile398Met). This variant is not present in population databases (gnomAD no frequency). This variant has not been reported in the literature in individuals affected with IFIH1-related conditions. ClinVar contains an entry for this variant (Variation ID: 1905140). Advanced modeling of protein sequence and biophysical properties (such as structural, functional, and spatial information, amino acid conservation, physicochemical variation, residue mobility, and thermodynamic stability) has been performed at Invitae for this missense variant, however the output from this modeling did not meet the statistical confidence thresholds required to predict the impact of this variant on IFIH1 protein function. In summary, the available evidence is currently insufficient to determine the role of this variant in disease. Therefore, it has been classified as a Variant of Uncertain Significance.

NM_022168.4(IFIH1):c.1194A>G (p.Ile398Met)

Gene: IFIH1 (interferon induced with helicase C domain 1; minus strand). Cytogenetic location: 2q24.2.
Variant type: single nucleotide variant.
Coding change: c.1194A>G on transcript NM_022168.4 (MANE Select); coding-DNA position 1194, A replaced by G.
Protein change: p.Ile398Met; replaces isoleucine 398 with methionine.
Molecular consequence: missense variant.
Genome position (GRCh38, 1-based): chr2:162,282,478, T>C on the plus strand (A>G on the coding strand, the complement: IFIH1 is on the minus strand). VCF-style: chr2-162282478-T-C. GRCh37 (hg19) VCF-style: chr2-163138988-T-C.
Other names: short protein forms I398M.
Identifiers: ClinVar variation 1905140 (VCV001905140.5), dbSNP rs2468965640, ClinGen allele CA349002879.